The following is an entry in ClinVar:

NM_022041.4(GAN):c.*2188T>C

Gene: GAN (gigaxonin; plus strand). Cytogenetic location: 16q23.2.
Variant type: single nucleotide variant.
Coding change: c.*2188T>C on transcript NM_022041.4 (MANE Select); 2188 bases downstream of the stop codon, T replaced by C.
Molecular consequence: 3 prime UTR variant.
Genome position (GRCh38, 1-based): chr16:81,379,784, T>C. VCF-style: chr16-81379784-T-C. GRCh37 (hg19) VCF-style: chr16-81413389-T-C.
Other names: c.*2188T>C (NM_001377486.1).
Identifiers: ClinVar variation 320707 (VCV000320707.6), dbSNP rs2290949, ClinGen allele CA10644356.
Genomic context (GRCh38, chr16:81,379,784, plus strand): 5'-CAGTAACTGACATCCAGTTAAAGCCACGATCGTCAGCAATTCTCCTTTTTTAATTTCTGA[T>C]ATTTAAAGTTTTTTTTCCAGTCTACACCAGGCCTCTCCAAGGAGACAGTTCATTATTTAG-3'

ClinVar aggregate classification (germline): Benign. Review status: criteria provided, multiple submitters, no conflicts (2 of 4 stars). 2 submissions from 2 submitters: Benign (2). Last evaluated 2018-01-12.

Conditions:
Giant axonal neuropathy 1 (GAN1). Also called: GAN-Related Neurodegeneration; GIANT AXONAL NEUROPATHY 1, AUTOSOMAL RECESSIVE. Identifiers: Orphanet 643, MedGen C1850386, MONDO:0009749, OMIM 256850.

Allele frequency attached by ClinVar (database versions not stated): gnomAD 0.09875 and 0.09906; TOPMed 0.10228; 1000 Genomes Project 30x 0.14241; 1000 Genomes Project 0.14297.

Submissions (2):

Illumina Laboratory Services, Illumina
Classification: Benign for Giant axonal neuropathy 1. Last evaluated: 2018-01-12. Review status: criteria provided, single submitter. Criteria: ICSL Variant Classification Criteria 13 December 2019. Collection method: clinical testing. Allele origin: germline.
Comment: This variant was observed in the ICSL laboratory as part of a predisposition screen in an ostensibly healthy population. It had not been previously curated by ICSL or reported in the Human Gene Mutation Database (HGMD: prior to June 1st, 2018), and was therefore a candidate for classification through an automated scoring system. Utilizing variant allele frequency, disease prevalence and penetrance estimates, and inheritance mode, an automated score was calculated to assess if this variant is too frequent to cause the disease. Based on the score and internal cut-off values, a variant classified as benign is not then subjected to further curation. The score for this variant resulted in a classification of benign for this disease.

Breakthrough Genomics
Classification: Benign. Review status: criteria provided, single submitter. Criteria: ACMG Guidelines, 2015. Collection method: not provided. Allele origin: germline. Inheritance: Autosomal recessive inheritance. Affected: yes.